The following is an entry in ClinVar:

NM_020738.4(KIDINS220):c.4728G>A (p.Ala1576=)

Gene: KIDINS220 (kinase D interacting substrate 220; minus strand). Cytogenetic location: 2p25.1.
Variant type: single nucleotide variant.
Coding change: c.4728G>A on transcript NM_020738.4 (MANE Select); coding-DNA position 4728, G replaced by A.
Protein change: p.Ala1576=; no amino-acid change (alanine 1576 retained).
Molecular consequence: synonymous variant. On other transcripts: intron variant (6).
Genome position (GRCh38, 1-based): chr2:8,731,308, C>T on the plus strand (G>A on the coding strand, the complement: KIDINS220 is on the minus strand). VCF-style: chr2-8731308-C-T. GRCh37 (hg19) VCF-style: chr2-8871438-C-T.
Other names: c.4731G>A, p.Ala1577= (NM_001348729.2); c.4674G>A, p.Ala1558= (NM_001348731.2); c.4671G>A, p.Ala1557= (NM_001348732.2); c.4560G>A, p.Ala1520= (NM_001348734.2); c.4557G>A, p.Ala1519= (NM_001348735.2); c.4431G>A, p.Ala1477= (NM_001348736.2); c.3882+2136G>A (NM_001348741.2, NM_001348742.2, NM_001348743.2); c.3996+2136G>A (NM_001348738.2); and 2 more.
Identifiers: ClinVar variation 2421459 (VCV002421459.8), dbSNP rs1340248122, ClinGen allele CA425083105.
Genomic context (GRCh38, chr2:8,731,308, plus strand): 5'-ATTGGGAGAACTTTCACTGGATCTCACTCCTGAATCCGATGAATCCTTTTTGTCAAGGAG[C>T]GCATCCGATAAATACTCTTTGGCTTTAATGAAGGTTCTGATCGGCTCAGCACTGTGTTCT-3'
Protein context (NP_065789.1, residues 1566-1586): FIKAKEYLSD[Ala1576=]LLDKKDSSDS

ClinVar aggregate classification (germline): Likely benign. Review status: criteria provided, single submitter (1 of 4 stars). 2 submissions from 2 submitters: Likely benign (1). 1 of the submissions does not count toward it. Last evaluated 2024-05-15.

Conditions:
KIDINS220-related disorder. Also called: KIDINS220-related condition.

gnomAD v4.1: 5 of 1,614,064 alleles (0.00031%); highest among the groups gnomAD compares: Admixed American, 0.0033%; no homozygotes.

Submissions (2):

Labcorp Genetics (formerly Invitae), Labcorp
Classification: Likely benign. Last evaluated: 2024-05-15. Review status: criteria provided, single submitter. Criteria: Invitae Variant Classification Sherloc (09022015). Collection method: clinical testing. Allele origin: germline.

PreventionGenetics, part of Exact Sciences
Classification: Likely benign for KIDINS220-related condition. Last evaluated: 2024-04-26. Review status: no assertion criteria provided. Collection method: clinical testing. Allele origin: germline. Not counted in ClinVar's aggregate classification.
Comment: This variant is classified as likely benign based on ACMG/AMP sequence variant interpretation guidelines (Richards et al. 2015 PMID: 25741868, with internal and published modifications).